The following is an entry in ClinVar:

ClinVar aggregate classification (germline): Uncertain significance. Review status: criteria provided, multiple submitters, no conflicts (2 of 4 stars). 2 submissions from 2 submitters: Uncertain significance (2). Last evaluated 2025-10-19.

Submissions (2):

Ambry Genetics
Classification: Uncertain significance. Last evaluated: 2025-10-19. Review status: criteria provided, single submitter. Criteria: Ambry Variant Classification Scheme 2023. Collection method: clinical testing. Allele origin: germline.
Comment: The p.S717T variant (also known as c.2149T>A), located in coding exon 14 of the RINT1 gene, results from a T to A substitution at nucleotide position 2149. The serine at codon 717 is replaced by threonine, an amino acid with similar properties. This amino acid position is conserved. In addition, this alteration is predicted to be deleterious by in silico analysis. Since supporting evidence is limited at this time, the clinical significance of this alteration remains unclear.

Labcorp Genetics (formerly Invitae), Labcorp
Classification: Uncertain significance. Last evaluated: 2021-11-02. Review status: criteria provided, single submitter. Criteria: Invitae Variant Classification Sherloc (09022015). Collection method: clinical testing. Allele origin: germline.
Comment: In summary, the available evidence is currently insufficient to determine the role of this variant in disease. Therefore, it has been classified as a Variant of Uncertain Significance. Algorithms developed to predict the effect of missense changes on protein structure and function are either unavailable or do not agree on the potential impact of this missense change (SIFT: "Tolerated"; PolyPhen-2: "Possibly Damaging"; Align-GVGD: "Class C0"). This variant has not been reported in the literature in individuals affected with RINT1-related conditions. This variant is not present in population databases (gnomAD no frequency). This sequence change replaces serine, which is neutral and polar, with threonine, which is neutral and polar, at codon 717 of the RINT1 protein (p.Ser717Thr).

NM_021930.6(RINT1):c.2149T>A (p.Ser717Thr)

Genes: EFCAB10 (EF-hand calcium binding domain 10; minus strand), RINT1 (RAD50 interactor 1; plus strand). Cytogenetic location: 7q22.3.
Variant type: single nucleotide variant.
Coding change: c.2149T>A on transcript NM_021930.6 (MANE Select); coding-DNA position 2149, T replaced by A.
Protein change: p.Ser717Thr; replaces serine 717 with threonine.
Molecular consequence: missense variant. On other transcripts: nonsense (1), non-coding transcript variant (1), intron variant (2).
Genome position (GRCh38, 1-based): chr7:105,565,611, T>A. VCF-style: chr7-105565611-T-A. GRCh37 (hg19) VCF-style: chr7-105206058-T-A.
Other names: c.388A>T, p.Lys130Ter (NM_001355530.2); c.1915T>A, p.Ser639Thr (NM_001346599.2); c.1126T>A, p.Ser376Thr (NM_001346600.2, NM_001346603.2); c.1225T>A, p.Ser409Thr (NM_001346601.2); c.360-164A>T (NM_001355531.2); c.384-164A>T (NM_001355526.2); short protein forms K130*, S639T, S409T, S717T, S376T.
Identifiers: ClinVar variation 1417324 (VCV001417324.9), dbSNP rs1060503047, ClinGen allele CA368815247.